The following is an entry in ClinVar:

ClinVar aggregate classification (germline): Uncertain significance. Review status: criteria provided, multiple submitters, no conflicts (2 of 4 stars). 2 submissions from 2 submitters: Uncertain significance (2). Last evaluated 2025-02-18.

gnomAD v4.1: 4 of 1,610,104 alleles (0.00025%); highest among the groups gnomAD compares: South Asian, 0.0022%; no homozygotes.

Submissions (2):

Ambry Genetics
Classification: Uncertain significance. Last evaluated: 2025-02-18. Review status: criteria provided, single submitter. Criteria: Ambry Variant Classification Scheme 2023. Collection method: clinical testing. Allele origin: germline.
Comment: The p.H85R variant (also known as c.254A>G), located in coding exon 2 of the ATRIP gene, results from an A to G substitution at nucleotide position 254. The histidine at codon 85 is replaced by arginine, an amino acid with highly similar properties. This amino acid position is conserved. In addition, this alteration is predicted to be tolerated by in silico analysis. Based on the available evidence, the clinical significance of this variant remains unclear.

Labcorp Genetics (formerly Invitae), Labcorp
Classification: Uncertain significance. Last evaluated: 2025-02-10. Review status: criteria provided, single submitter. Criteria: Invitae Variant Classification Sherloc (09022015). Collection method: clinical testing. Allele origin: germline.
Comment: This sequence change replaces histidine, which is basic and polar, with arginine, which is basic and polar, at codon 85 of the ATRIP protein (p.His85Arg). This variant is present in population databases (no rsID available, gnomAD 0.003%). This variant has not been reported in the literature in individuals affected with ATRIP-related conditions. An algorithm developed to predict the effect of missense changes on protein structure and function outputs the following: PolyPhen-2: "Benign". The arginine amino acid residue is found in multiple mammalian species, which suggests that this missense change does not adversely affect protein function. In summary, the available evidence is currently insufficient to determine the role of this variant in disease. Therefore, it has been classified as a Variant of Uncertain Significance.

NM_130384.3(ATRIP):c.254A>G (p.His85Arg)

Genes: ATRIP-TREX1 (ATRIP-TREX1 readthrough; plus strand), ATRIP (ATR interacting protein; plus strand). Cytogenetic location: 3p21.31.
Variant type: single nucleotide variant.
Coding change: c.254A>G on transcript NM_130384.3 (MANE Select); coding-DNA position 254, A replaced by G.
Protein change: p.His85Arg; replaces histidine 85 with arginine.
Molecular consequence: missense variant. On other transcripts: non-coding transcript variant (1), 5 prime UTR variant (2).
Genome position (GRCh38, 1-based): chr3:48,450,043, A>G. VCF-style: chr3-48450043-A-G. GRCh37 (hg19) VCF-style: chr3-48491449-A-G.
Other names: c.254A>G (NM_130384.1); c.-211A>G (NM_001271022.2); c.-26A>G (NM_001271023.2); c.254A>G, p.His85Arg (NM_032166.4); short protein forms H85R.
Identifiers: ClinVar variation 3705128 (VCV003705128.3).